The following is an entry in ClinVar:

ClinVar aggregate classification (germline): Pathogenic/Likely pathogenic. Review status: criteria provided, multiple submitters, no conflicts (2 of 4 stars). 4 submissions from 4 submitters: Pathogenic (3); Likely pathogenic (1). Last evaluated 2025-03-20.

Conditions:
Nemaline myopathy 2 (NEM2). Also called: Nemaline myopathy 2, autosomal recessive. Identifiers: MedGen C1850569, MONDO:0009725, OMIM 256030.
Arthrogryposis multiplex congenita 6. Identifiers: MedGen C5543431, MONDO:0030281, OMIM 619334.

Allele frequency attached by ClinVar (database versions not stated): gnomAD exomes below 0.00001.

Submissions (4):

Natera, Inc.
Classification: Pathogenic for Nemaline myopathy type 2. Last evaluated: 2025-03-20. Review status: criteria provided, single submitter. Criteria: Natera Variant Classification Schema (03/2026). Collection method: clinical testing. Allele origin: germline.
Comment: The c.20253del variant in NEB is a frameshift variant predicted to shift the reading frame beginning at codon 6752 and leads to a stop codon 4 codons downstream. This variant is expected to result in nonsense mediated decay, truncation, or a dysfunctional protein product. This variant is rare in the general population with a frequency below the threshold expected for the associated phenotype(s). This variant has been observed in one or more individuals affected with the associated recessive disease, as either homozygous or compound heterozygous with a second variant (PMID: 25473036). Additionally, this variant has been observed to segregate in affected family members (PMID: 25473036). Given the available evidence, this variant is classified as Pathogenic.

Fulgent Genetics
Classification: Likely pathogenic for Nemaline myopathy 2; Arthrogryposis multiplex congenita 6. Last evaluated: 2024-03-09. Review status: criteria provided, single submitter. Criteria: ACMG Guidelines, 2015. Collection method: clinical testing. Allele origin: germline.

Labcorp Genetics (formerly Invitae), Labcorp
Classification: Pathogenic for Nemaline myopathy 2. Last evaluated: 2023-10-06. Review status: criteria provided, single submitter. Criteria: Invitae Variant Classification Sherloc (09022015). Collection method: clinical testing. Allele origin: germline.
Comment: This sequence change creates a premature translational stop signal (p.Val6752Serfs*4) in the NEB gene. It is expected to result in an absent or disrupted protein product. Loss-of-function variants in NEB are known to be pathogenic (PMID: 25205138). This variant is not present in population databases (gnomAD no frequency). This premature translational stop signal has been observed in individual(s) with clinical features of NEB-related conditions (PMID: 25473036). This variant is also known as c.15150delT. ClinVar contains an entry for this variant (Variation ID: 2203159). For these reasons, this variant has been classified as Pathogenic.

Baylor Genetics
Classification: Pathogenic for Arthrogryposis multiplex congenita 6. Last evaluated: 2023-09-25. Review status: criteria provided, single submitter. Criteria: ACMG Guidelines, 2015. Collection method: clinical testing. Allele origin: unknown.

Literature cited by the submitters: PubMed 25473036 (cited by Natera, Inc. and Labcorp Genetics (formerly Invitae), Labcorp); PubMed 25205138 (cited by Labcorp Genetics (formerly Invitae), Labcorp).

NM_001164508.2(NEB):c.20253del (p.Val6752fs)

Gene: NEB (nebulin; minus strand). Cytogenetic location: 2q23.3.
Variant type: Deletion.
Coding change: c.20253del on transcript NM_001164508.2 (MANE Select); coding-DNA position 20253, one base deleted (T; older notation c.20253delT).
Protein change: p.Val6752fs; shifts the reading frame from valine 6752.
Molecular consequence: frameshift variant.
Genome position (GRCh38, 1-based): chr2:151,547,643, A deleted on the plus strand (T on the coding strand, the reverse complement: NEB is on the minus strand). VCF-style (leftmost placement, unchanged base first): chr2-151547642-CA-C. GRCh37 (hg19) VCF-style: chr2-152404156-CA-C.
Other names: c.20253del, p.Val6752fs (NM_001164507.2, NM_001271208.2); c.20253delT, p.Val6752Serfs (NM_001271208.1); c.15150del, p.Val5051fs (NM_004543.5); c.20253del (NM_001271208.1); short protein forms V5051fs, V6752fs.
Identifiers: ClinVar variation 2203159 (VCV002203159.8), dbSNP rs2552179259, ClinGen allele CA2580063883.